The following is an entry in ClinVar:

NM_015141.4(GPD1L):c.293A>C (p.Gln98Pro)

Gene: GPD1L (glycerol-3-phosphate dehydrogenase 1 like; plus strand). Cytogenetic location: 3p22.3.
Variant type: single nucleotide variant.
Coding change: c.293A>C on transcript NM_015141.4 (MANE Select); coding-DNA position 293, A replaced by C.
Protein change: p.Gln98Pro; replaces glutamine 98 with proline.
Molecular consequence: missense variant.
Genome position (GRCh38, 1-based): chr3:32,138,654, A>C. VCF-style: chr3-32138654-A-C. GRCh37 (hg19) VCF-style: chr3-32180146-A-C.
Other names: short protein forms Q98P.
Identifiers: ClinVar variation 496434 (VCV000496434.1), dbSNP rs745770005, ClinGen allele CA2296599.

ClinVar aggregate classification (germline): Uncertain significance (1 of 4 stars; one submission).

Allele frequency attached by ClinVar (database versions not stated): ExAC 0.00002; gnomAD 0.00001; gnomAD exomes 0.00001.
gnomAD v4.1: 2 of 1,613,910 alleles (0.00012%); highest among the groups gnomAD compares: Admixed American, 0.0017%; no homozygotes.

Submission:

Women's Health and Genetics/Laboratory Corporation of America, LabCorp
Classification: Uncertain significance. Last evaluated: 2016-08-22. Review status: criteria provided, single submitter. Criteria: LabCorp Variant Classification Summary - May 2015. Collection method: clinical testing. Allele origin: germline.
Comment: Variant summary: The GPD1L c.293A>C (p.Gln98Pro) variant causes a missense change involving a conserved nucleotide with 4/4 in silico tools (SNPs&GO not captured due to low reliability index) predicting a damaging outcome, although these predictions have yet to be functionally assessed. The variant of interest was observed in the large, broad control population, ExAC, with an allele frequency of 2/121396 (1/60698), which is approximately 2 times the estimated maximal expected allele frequency for a pathogenic GPD1L variant (0.00001), suggesting this variant is likely a benign polymorphism. However, the small number of carriers in this dataset cannot be used as difinitive evidence toward the benign nature of the variant. The variant of interest has not, to our knowledge, been reported in affected individuals via publications and/or reputable databases/clinical diagnostic laboratories; nor evaluated for functional impact by in vivo/vitro studies. Because of the absence of clinical information and the lack of functional studies, the variant is classified as a variant of uncertain significance (VUS), until additional information becomes available.